The following is an entry in ClinVar:

NM_024514.5(CYP2R1):c.702G>A (p.Trp234Ter)

Genes: CYP2R1 (cytochrome P450 family 2 subfamily R member 1; minus strand), PDE3B (phosphodiesterase 3B; plus strand). Cytogenetic location: 11p15.2.
Variant type: single nucleotide variant.
Coding change: c.702G>A on transcript NM_024514.5 (MANE Select); coding-DNA position 702, G replaced by A.
Protein change: p.Trp234Ter; replaces tryptophan 234 with a stop codon.
Molecular consequence: nonsense. On other transcripts: non-coding transcript variant (6), intron variant (7).
Genome position (GRCh38, 1-based): chr11:14,880,434, C>T on the plus strand (G>A on the coding strand, the complement: CYP2R1 is on the minus strand). VCF-style: chr11-14880434-C-T. GRCh37 (hg19) VCF-style: chr11-14901980-C-T.
Other names: c.357G>A, p.Trp119Ter (NM_001377215.1, NM_001377216.1, NM_001377227.1 and 5 more transcripts); c.540G>A, p.Trp180Ter (NM_001377217.1); c.558G>A, p.Trp186Ter (NM_001400567.1); c.657G>A, p.Trp219Ter (NM_001400568.1); c.2887-18511C>T (NM_001429700.1); c.2887-18522C>T (NM_001429699.1); c.23-991G>A (NM_001400566.1); c.78-75G>A (NM_001400562.1, NM_001400564.1, NM_001400565.1 and 1 more transcripts); short protein forms W119*, W180*, W186*, W219*, W234*.
Identifiers: ClinVar variation 4850114 (VCV004850114.1).
Genomic context (GRCh38, chr11:14,880,434, plus strand): 5'-ATAGACTACAGCTGCATTTCTAAACAGCTGTTGATGTTTTCCAAAAGGCAGGATGCCAAT[C>T]CATGGAAAGGCATTATACAAGAAGACTGAGGCACTGGCAGCTAGTTCCACATTTTCACTA-3'

ClinVar aggregate classification (germline): Likely pathogenic (1 of 4 stars; one submission).

Conditions:
Vitamin D hydroxylation-deficient rickets, type 1B. Also called: PSEUDOVITAMIN D3 DEFICIENCY RICKETS DUE TO 25-HYDROXYLASE DEFICIENCY; VITAMIN D-DEPENDENT RICKETS, TYPE 1B; Rickets due to Defect in Vitamin D 25-hydroxylation. Identifiers: Orphanet 289157, MedGen C1838657, MONDO:0010810, OMIM 600081.

gnomAD v4.1: 1 of 1,613,392 alleles (0.000062%); no homozygotes.

Submission:

Variantyx, Inc.
Classification: Likely pathogenic for Vitamin D hydroxylation-deficient rickets, type 1B. Last evaluated: 2025-08-18. Review status: criteria provided, single submitter. Criteria: Variantyx Assertion Criteria 2022. Collection method: clinical testing. Allele origin: germline. Inheritance: Autosomal recessive inheritance. Affected: no.
Comment: This is a nonsense variant in the CYP2R1 gene (OMIM: 608713). Pathogenic variants in this gene have been associated with autosomal recessive vitamin D-dependent rickets type 1B due to a defect in vitamin D 25-hydroxylation. This variant introduces a premature termination codon in exon 3 out of 5 and is expected to result in loss of function, which is a known disease mechanism for CYP2R1 in this disorder (PMID:25942481) (PVS1). This variant is absent from control populations (PM2). Based on the current evidence, this variant is classified as likely pathogenic for autosomal recessive vitamin D-dependent rickets type 1B due to a defect in vitamin D 25-hydroxylation.

Literature cited by the submitters: PubMed 25942481.